The following is an entry in ClinVar:

ClinVar aggregate classification (germline): Uncertain significance. Review status: criteria provided, multiple submitters, no conflicts (2 of 4 stars). 2 submissions from 2 submitters: Uncertain significance (2). Last evaluated 2024-04-18.

Conditions:
Schuurs-Hoeijmakers syndrome. Also called: PACS1-Related Neurodevelopmental Disorder. Identifiers: Orphanet 329224, MedGen C3554343, MONDO:0014006, OMIM 615009.

Submissions (2):

Labcorp Genetics (formerly Invitae), Labcorp
Classification: Uncertain significance for Schuurs-Hoeijmakers syndrome. Last evaluated: 2024-04-18. Review status: criteria provided, single submitter. Criteria: Invitae Variant Classification Sherloc (09022015). Collection method: clinical testing. Allele origin: germline.
Comment: This sequence change replaces histidine, which is basic and polar, with asparagine, which is neutral and polar, at codon 181 of the PACS1 protein (p.His181Asn). This variant is not present in population databases (gnomAD no frequency). This variant has not been reported in the literature in individuals affected with PACS1-related conditions. Advanced modeling of protein sequence and biophysical properties (such as structural, functional, and spatial information, amino acid conservation, physicochemical variation, residue mobility, and thermodynamic stability) performed at Invitae indicates that this missense variant is expected to disrupt PACS1 protein function with a positive predictive value of 80%. In summary, the available evidence is currently insufficient to determine the role of this variant in disease. Therefore, it has been classified as a Variant of Uncertain Significance.

GeneDx
Classification: Uncertain significance. Last evaluated: 2023-06-29. Review status: criteria provided, single submitter. Criteria: GeneDx Variant Classification Process June 2021. Collection method: clinical testing. Allele origin: germline. Affected: yes.
Comment: Not observed at significant frequency in large population cohorts (gnomAD); In silico analysis supports that this missense variant has a deleterious effect on protein structure/function; Has not been previously published as pathogenic or benign to our knowledge

NM_018026.4(PACS1):c.541C>A (p.His181Asn)

Gene: PACS1 (phosphofurin acidic cluster sorting protein 1; plus strand). Cytogenetic location: 11q13.2.
Variant type: single nucleotide variant.
Coding change: c.541C>A on transcript NM_018026.4 (MANE Select); coding-DNA position 541, C replaced by A.
Protein change: p.His181Asn; replaces histidine 181 with asparagine.
Molecular consequence: missense variant.
Genome position (GRCh38, 1-based): chr11:66,211,140, C>A. VCF-style: chr11-66211140-C-A. GRCh37 (hg19) VCF-style: chr11-65978611-C-A.
Other names: short protein forms H181N.
Identifiers: ClinVar variation 3360674 (VCV003360674.3).